The following is an entry in ClinVar:

NM_003070.5(SMARCA2):c.462G>A (p.Gly154=)

Gene: SMARCA2 (SWI/SNF related BAF chromatin remodeling complex subunit ATPase 2; plus strand). Cytogenetic location: 9p24.3.
Variant type: single nucleotide variant.
Coding change: c.462G>A on transcript NM_003070.5 (MANE Select); coding-DNA position 462, G replaced by A.
Protein change: p.Gly154=; no amino-acid change (glycine 154 retained).
Molecular consequence: synonymous variant.
Genome position (GRCh38, 1-based): chr9:2,039,572, G>A. VCF-style: chr9-2039572-G-A. GRCh37 (hg19) VCF-style: chr9-2039572-G-A.
Other names: c.462G>A, p.Gly154= (NM_001289396.2, NM_001289397.2, NM_139045.4).
Identifiers: ClinVar variation 126348 (VCV000126348.27), dbSNP rs61736900, ClinGen allele CA151091.
Genomic context (GRCh38, chr9:2,039,572, plus strand): 5'-CTCCAGCCCTATGTCTGGAGGAGGCCCAACTCCACCTCAGATGCCACCAAGCCAGCCGGG[G>A]GCCCTCATCCCAGGTGATCCGCAGGCCATGAGCCAGCCCAACAGAGGTCCCTCACCTTTC-3'
Protein context (NP_003061.3, residues 144-164): TPPQMPPSQP[Gly154=]ALIPGDPQAM

ClinVar aggregate classification (germline): Benign. Review status: criteria provided, multiple submitters, no conflicts (2 of 4 stars). 7 submissions from 7 submitters: Benign (6). 1 of the submissions does not count toward it. Last evaluated 2025-04-30.

Conditions:
Inborn genetic diseases. Identifiers: MedGen C0950123, MeSH D030342.
Nicolaides-Baraitser syndrome (NCBRS). Also called: Intellectual disability-sparse hair-brachydactyly syndrome; SMARCA2-Related Nicolaides-Baraitser Syndrome. Identifiers: Orphanet 3051, MedGen C1303073, MONDO:0011053, OMIM 601358.

Allele frequency attached by ClinVar (database versions not stated): gnomAD exomes 0.00089 and 0.00234; ExAC 0.00306; ESP Exome Variant Server 0.00923; 1000 Genomes Project 30x 0.01234; gnomAD 0.00910 and 0.00974; 1000 Genomes Project 0.01038; TOPMed 0.01039.
gnomAD v4.1: 2,742 of 1,614,126 alleles (0.17%); highest among the groups gnomAD compares: African/African-American, 3.1%; 40 homozygotes.

Submissions (7):

ARUP Laboratories, Molecular Genetics and Genomics, ARUP Laboratories
Classification: Benign. Last evaluated: 2025-04-30. Review status: criteria provided, single submitter. Criteria: ARUP Molecular Germline Variant Investigation Process 2024. Collection method: clinical testing. Allele origin: germline.

Labcorp Genetics (formerly Invitae), Labcorp
Classification: Benign. Last evaluated: 2023-08-04. Review status: criteria provided, single submitter. Criteria: Invitae Variant Classification Sherloc (09022015). Collection method: clinical testing. Allele origin: germline.

GeneDx
Classification: Benign. Last evaluated: 2021-12-23. Review status: criteria provided, single submitter. Criteria: GeneDx Variant Classification Process June 2021. Collection method: clinical testing. Allele origin: germline. Affected: yes.

Illumina Laboratory Services, Illumina
Classification: Benign for Nicolaides-Baraitser syndrome. Last evaluated: 2018-01-13. Review status: criteria provided, single submitter. Criteria: ICSL Variant Classification Criteria 13 December 2019. Collection method: clinical testing. Allele origin: germline.
Comment: This variant was observed in the ICSL laboratory as part of a predisposition screen in an ostensibly healthy population. It had not been previously curated by ICSL or reported in the Human Gene Mutation Database (HGMD: prior to June 1st, 2018), and was therefore a candidate for classification through an automated scoring system. Utilizing variant allele frequency, disease prevalence and penetrance estimates, and inheritance mode, an automated score was calculated to assess if this variant is too frequent to cause the disease. Based on the score and internal cut-off values, a variant classified as benign is not then subjected to further curation. The score for this variant resulted in a classification of benign for this disease.

Ambry Genetics
Classification: Benign for Inborn genetic diseases. Last evaluated: 2016-08-05. Review status: criteria provided, single submitter. Criteria: Ambry Variant Classification Scheme 2023. Collection method: clinical testing. Allele origin: germline.

Breakthrough Genomics
Classification: Benign. Review status: criteria provided, single submitter. Criteria: ACMG Guidelines, 2015. Collection method: not provided. Allele origin: germline. Inheritance: Autosomal dominant inheritance. Affected: yes.

Genetic Services Laboratory, University of Chicago
Classification: Likely benign for AllHighlyPenetrant. Review status: no assertion criteria provided. Collection method: clinical testing. Allele origin: germline. Inheritance: Autosomal dominant inheritance. Observed: 1 variant allele. Not counted in ClinVar's aggregate classification.
Comment: Likely benign based on allele frequency in 1000 Genomes Project or ESP global frequency and its presence in a patient with a rare or unrelated disease phenotype. NOT Sanger confirmed.